The following is an entry in ClinVar:

ClinVar aggregate classification (germline): Uncertain significance. Review status: criteria provided, multiple submitters, no conflicts (2 of 4 stars). 2 submissions from 2 submitters: Uncertain significance (2). Last evaluated 2025-11-24.

Conditions:
Cardiovascular phenotype. Identifiers: MedGen CN230736.

Allele frequency attached by ClinVar (database versions not stated): gnomAD exomes below 0.00001 and 0.00001.
gnomAD v4.1: 3 of 1,211,834 alleles (0.00025%); highest among the groups gnomAD compares: Admixed American, 0.0065%; no homozygotes.

Submissions (2):

Ambry Genetics
Classification: Uncertain significance for Cardiovascular phenotype. Last evaluated: 2025-11-24. Review status: criteria provided, single submitter. Criteria: Ambry Variant Classification Scheme 2023. Collection method: clinical testing. Allele origin: germline.
Comment: The p.S135N variant (also known as c.404G>A), located in coding exon 3 of the BGN gene, results from a G to A substitution at nucleotide position 404. The serine at codon 135 is replaced by asparagine, an amino acid with highly similar properties. This amino acid position is conserved. In addition, this alteration is predicted to be tolerated by in silico analysis. Based on the available evidence, the clinical significance of this variant remains unclear.

Labcorp Genetics (formerly Invitae), Labcorp
Classification: Uncertain significance. Last evaluated: 2021-08-05. Review status: criteria provided, single submitter. Criteria: Invitae Variant Classification Sherloc (09022015). Collection method: clinical testing. Allele origin: germline.
Comment: In summary, the available evidence is currently insufficient to determine the role of this variant in disease. Therefore, it has been classified as a Variant of Uncertain Significance. Algorithms developed to predict the effect of missense changes on protein structure and function are either unavailable or do not agree on the potential impact of this missense change (SIFT: "Not Available"; PolyPhen-2: "Benign"; Align-GVGD: "Not Available"). This variant has not been reported in the literature in individuals affected with BGN-related conditions. This variant is not present in population databases (ExAC no frequency). This sequence change replaces serine with asparagine at codon 135 of the BGN protein (p.Ser135Asn). The serine residue is moderately conserved and there is a small physicochemical difference between serine and asparagine.

NM_001711.6(BGN):c.404G>A (p.Ser135Asn)

Gene: BGN (biglycan; plus strand). Cytogenetic location: Xq28.
Variant type: single nucleotide variant.
Coding change: c.404G>A on transcript NM_001711.6 (MANE Select); coding-DNA position 404, G replaced by A.
Protein change: p.Ser135Asn; replaces serine 135 with asparagine.
Molecular consequence: missense variant.
Genome position (GRCh38, 1-based): chrX:153,505,915, G>A. VCF-style: chrX-153505915-G-A. GRCh37 (hg19) VCF-style: chrX-152771373-G-A.
Other names: c.404G>A (NM_001711.4); short protein forms S135N.
Identifiers: ClinVar variation 1439469 (VCV001439469.7), dbSNP rs1556992993, ClinGen allele CA415069342.